The following is an entry in ClinVar:

ClinVar aggregate classification (germline): Benign. Review status: criteria provided, multiple submitters, no conflicts (2 of 4 stars). 3 submissions from 3 submitters: Benign (2). 1 of the submissions does not count toward it. Last evaluated 2025-12-31.

Conditions:
Hypotension. Also called: Hypotensive disorder; low blood pressure. Identifiers: MedGen C0020649, MONDO:0005468, HP:0002615, MeSH D007022.

Allele frequency attached by ClinVar (database versions not stated): TOPMed 0.00880; gnomAD 0.00903 and 0.00945; gnomAD exomes 0.01332 and 0.00878; 1000 Genomes Project 30x 0.00203; ESP Exome Variant Server 0.01146; 1000 Genomes Project 0.00220; ExAC 0.00936.
gnomAD v4.1: 20,464 of 1,606,930 alleles (1.3%); highest among the groups gnomAD compares: Non-Finnish European, 1.6%; 177 homozygotes.

Submissions (3):

Labcorp Genetics (formerly Invitae), Labcorp
Classification: Benign. Last evaluated: 2025-12-31. Review status: criteria provided, single submitter. Criteria: Invitae Variant Classification Sherloc (09022015). Collection method: clinical testing. Allele origin: germline.

Breakthrough Genomics
Classification: Benign. Review status: criteria provided, single submitter. Criteria: ACMG Guidelines, 2015. Collection method: not provided. Allele origin: germline. Inheritance: Autosomal dominant inheritance. Affected: yes.

Centre for molecular medicine, Karolinska Institutet
No classification provided. Condition: Hypotension. Review status: no classification provided. Collection method: not provided. Allele origin: not provided. Not counted in ClinVar's aggregate classification.
Comment: hold until published

NM_017637.6(BNC2):c.2920A>G (p.Ile974Val)

Gene: BNC2 (basonuclin zinc finger protein 2; minus strand). Cytogenetic location: 9p22.3.
Variant type: single nucleotide variant.
Coding change: c.2920A>G on transcript NM_017637.6 (MANE Select); coding-DNA position 2920, A replaced by G.
Protein change: p.Ile974Val; replaces isoleucine 974 with valine.
Molecular consequence: missense variant. On other transcripts: 3 prime UTR variant (1).
Genome position (GRCh38, 1-based): chr9:16,419,369, T>C on the plus strand (A>G on the coding strand, the complement: BNC2 is on the minus strand). VCF-style: chr9-16419369-T-C. GRCh37 (hg19) VCF-style: chr9-16419367-T-C.
Other names: c.*264A>G (NM_001317939.2); c.2635A>G, p.Ile879Val (NM_001317940.2); short protein forms I974V, I879V.
Identifiers: ClinVar variation 120240 (VCV000120240.12), dbSNP rs35005898, ClinGen allele CA204338.
Genomic context (GRCh38, chr9:16,419,369, plus strand): 5'-CAATGTCATCGAGAAGAATCCCCTCATCGCTGCCTGCGTCGGATTCTCTGGAGGAATGGA[T>C]ACTGCTGCTGGACTGGAGGCTGGAGGTGGTGCTCAAGTCAAGGACCATGTAGTCCTCTGC-3'
Protein context (NP_060107.3, residues 964-984): TTSSLQSSSS[Ile974Val]HSSRESDAGS